The following is an entry in ClinVar:

NM_001843.4(CNTN1):c.1963+96A>G

Gene: CNTN1 (contactin 1; plus strand). Cytogenetic location: 12q12.
Variant type: single nucleotide variant.
Coding change: c.1963+96A>G on transcript NM_001843.4 (MANE Select); 96 bases into the intron after coding-DNA position 1963, A replaced by G.
Molecular consequence: intron variant.
Genome position (GRCh38, 1-based): chr12:40,981,163, A>G. VCF-style: chr12-40981163-A-G. GRCh37 (hg19) VCF-style: chr12-41374965-A-G.
Other names: c.1930+96A>G (NM_175038.2).
Identifiers: ClinVar variation 672409 (VCV000672409.2), dbSNP rs140464654, ClinGen allele CA235943714.

ClinVar aggregate classification (germline): Likely benign. Review status: criteria provided, multiple submitters, no conflicts (2 of 4 stars). 2 submissions from 2 submitters: Likely benign (2). Last evaluated 2018-06-16.

Allele frequency attached by ClinVar (database versions not stated): 1000 Genomes Project 0.00599; 1000 Genomes Project 30x 0.00671; gnomAD 0.01307 and 0.01360; TOPMed 0.01454; gnomAD exomes 0.01597.
gnomAD v4.1: 18,482 of 1,181,802 alleles (1.6%); highest among the groups gnomAD compares: Middle Eastern, 2%; 197 homozygotes.

Submissions (2):

GeneDx
Classification: Likely benign. Last evaluated: 2018-06-16. Review status: criteria provided, single submitter. Criteria: GeneDx Variant Classification (06012015). Collection method: clinical testing. Allele origin: germline. Affected: yes.
Comment: This variant is considered likely benign or benign based on one or more of the following criteria: it is a conservative change, it occurs at a poorly conserved position in the protein, it is predicted to be benign by multiple in silico algorithms, and/or has population frequency not consistent with disease.

Breakthrough Genomics
Classification: Likely benign. Review status: criteria provided, single submitter. Criteria: ACMG Guidelines, 2015. Collection method: not provided. Allele origin: germline. Inheritance: Autosomal recessive inheritance. Affected: yes.